The following is an entry in ClinVar:

ClinVar aggregate classification (germline): Pathogenic/Likely pathogenic. Review status: criteria provided, multiple submitters, no conflicts (2 of 4 stars). 3 submissions from 3 submitters: Pathogenic (2); Likely pathogenic (1). Last evaluated 2025-08-20.

Conditions:
Deficiency of acetyl-CoA acetyltransferase. Also called: 3-KETOTHIOLASE DEFICIENCY; 3-OXOTHIOLASE DEFICIENCY; MITOCHONDRIAL ACETOACETYL-CoA THIOLASE DEFICIENCY; Beta-ketothiolase deficiency. Identifiers: Orphanet 134, MedGen C1536500, MONDO:0008760, OMIM 203750. Disease mechanism: loss of function.

Submissions (3):

Natera, Inc.
Classification: Likely pathogenic for Alpha-methylacetoacetic aciduria. Last evaluated: 2025-08-20. Review status: criteria provided, single submitter. Criteria: Natera Variant Classification Schema (03/2026). Collection method: clinical testing. Allele origin: germline.
Comment: The c.1A>C variant in ACAT1 is predicted to result in start loss due to disruption of the initiator methionine. This variant is expected to result in nonsense mediated decay, truncation, or a dysfunctional protein product. This variant is rare in the general population with a frequency below the threshold expected for the associated phenotype(s). Given the available evidence, this variant is classified as Likely Pathogenic.

Fulgent Genetics
Classification: Pathogenic for Deficiency of acetyl-CoA acetyltransferase. Last evaluated: 2024-02-25. Review status: criteria provided, single submitter. Criteria: ACMG Guidelines, 2015. Collection method: clinical testing. Allele origin: germline.

Labcorp Genetics (formerly Invitae), Labcorp
Classification: Pathogenic for Deficiency of acetyl-CoA acetyltransferase. Last evaluated: 2023-12-18. Review status: criteria provided, single submitter. Criteria: Invitae Variant Classification Sherloc (09022015). Collection method: clinical testing. Allele origin: germline.
Comment: This sequence change affects the initiator methionine of the ACAT1 mRNA. The next in-frame methionine is located at codon 91. This variant is not present in population databases (gnomAD no frequency). Disruption of the initiator codon has been observed in individual(s) with beta-ketothiolase deficiency (PMID: 8103405, 12754704). In at least one individual the data is consistent with being in trans (on the opposite chromosome) from a pathogenic variant. It has also been observed to segregate with disease in related individuals. Algorithms developed to predict the effect of variants on protein structure and function are not available or were not evaluated for this variant. Experimental studies have shown that disruption of the initiator codon affects ACAT1 function (PMID: 8103405, 12754704). For these reasons, this variant has been classified as Pathogenic.

Literature cited by the submitters: PubMed 8103405 (cited by Labcorp Genetics (formerly Invitae), Labcorp); PubMed 12754704 (cited by Labcorp Genetics (formerly Invitae), Labcorp).

NM_000019.4(ACAT1):c.1A>C (p.Met1Leu)

Gene: ACAT1 (acetyl-CoA acetyltransferase 1; plus strand). Cytogenetic location: 11q22.3.
Variant type: single nucleotide variant.
Coding change: c.1A>C on transcript NM_000019.4 (MANE Select); coding-DNA position 1, A replaced by C.
Protein change: p.Met1Leu; changes the start codon (methionine 1).
Molecular consequence: missense variant, initiator codon variant. On other transcripts: 5 prime UTR variant (3), non-coding transcript variant (2), intron variant (2).
Genome position (GRCh38, 1-based): chr11:108,121,607, A>C. VCF-style: chr11-108121607-A-C. GRCh37 (hg19) VCF-style: chr11-107992334-A-C.
Other names: c.1A>C (NM_000019.3); c.1A>C, p.Met1Leu (NM_001386677.1, NM_001386678.1); c.-277A>C (NM_001386679.1); c.-364A>C (NM_001386685.1); c.-369A>C (NM_001386686.1); c.-416+4705A>C (NM_001386682.1); c.-199+4705A>C (NM_001386681.1); short protein forms M1L.
Identifiers: ClinVar variation 2867418 (VCV002867418.5), dbSNP rs1305448140, ClinGen allele CA382505476.